The following is an entry in ClinVar:

NM_000372.5(TYR):c.137G>C (p.Cys46Ser)

Gene: TYR (tyrosinase; plus strand). Cytogenetic location: 11q14.3.
Variant type: single nucleotide variant.
Coding change: c.137G>C on transcript NM_000372.5 (MANE Select); coding-DNA position 137, G replaced by C.
Protein change: p.Cys46Ser; replaces cysteine 46 with serine.
Molecular consequence: missense variant.
Genome position (GRCh38, 1-based): chr11:89,178,090, G>C. VCF-style: chr11-89178090-G-C. GRCh37 (hg19) VCF-style: chr11-88911258-G-C.
Other names: short protein forms C46S.
Identifiers: ClinVar variation 3251833 (VCV003251833.1), dbSNP rs2496528053.

ClinVar aggregate classification (germline): Uncertain significance (1 of 4 stars; one submission).

Submission:

Women's Health and Genetics/Laboratory Corporation of America, LabCorp
Classification: Uncertain significance. Last evaluated: 2024-04-19. Review status: criteria provided, single submitter. Criteria: LabCorp Variant Classification Summary - May 2015. Collection method: clinical testing. Allele origin: germline.
Comment: Variant summary: TYR c.137G>C (p.Cys46Ser) results in a non-conservative amino acid change in the encoded protein sequence. Five of five in-silico tools predict a damaging effect of the variant on protein function. The variant was absent in 251438 control chromosomes. The available data on variant occurrences in the general population are insufficient to allow any conclusion about variant significance. To our knowledge, no occurrence of c.137G>C in individuals affected with Oculocutaneous Albinism and no experimental evidence demonstrating its impact on protein function have been reported. No submitters have cited clinical-significance assessments for this variant to ClinVar. Based on the evidence outlined above, the variant was classified as uncertain significance.